The following is an entry in ClinVar:

ClinVar aggregate classification (germline): Uncertain significance (1 of 4 stars; one submission).

Conditions:
Inborn genetic diseases. Identifiers: MedGen C0950123, MeSH D030342.

Submission:

Ambry Genetics
Classification: Uncertain significance for Inborn genetic diseases. Last evaluated: 2025-06-06. Review status: criteria provided, single submitter. Criteria: Ambry Variant Classification Scheme 2023. Collection method: clinical testing. Allele origin: germline.
Comment: The p.S361G variant (also known as c.1081A>G), located in coding exon 9 of the BUB1B gene, results from an A to G substitution at nucleotide position 1081. The serine at codon 361 is replaced by glycine, an amino acid with similar properties. This amino acid position is conserved. In addition, this alteration is predicted to be tolerated by in silico analysis. Based on the available evidence, the clinical significance of this variant remains unclear.

NM_001211.6(BUB1B):c.1081A>G (p.Ser361Gly)

Gene: BUB1B (BUB1 mitotic checkpoint serine/threonine kinase B; plus strand). Cytogenetic location: 15q15.1.
Variant type: single nucleotide variant.
Coding change: c.1081A>G on transcript NM_001211.6 (MANE Select); coding-DNA position 1081, A replaced by G.
Protein change: p.Ser361Gly; replaces serine 361 with glycine.
Molecular consequence: missense variant.
Genome position (GRCh38, 1-based): chr15:40,196,567, A>G. VCF-style: chr15-40196567-A-G. GRCh37 (hg19) VCF-style: chr15-40488768-A-G.
Other names: short protein forms S361G.
Identifiers: ClinVar variation 3993688 (VCV003993688.1).